The following is an entry in ClinVar:

ClinVar aggregate classification (germline): Likely benign. Review status: criteria provided, multiple submitters, no conflicts (2 of 4 stars). 2 submissions from 2 submitters: Likely benign (2). Last evaluated 2018-06-15.

Allele frequency attached by ClinVar (database versions not stated): 1000 Genomes Project 0.01178; 1000 Genomes Project 30x 0.01202; TOPMed 0.01731; gnomAD 0.02442 and 0.02500.
gnomAD v4.1: 2,491 of 99,132 alleles (2.5%); highest among the groups gnomAD compares: Middle Eastern, 4.8%; 41 homozygotes.

Submissions (2):

GeneDx
Classification: Likely benign. Last evaluated: 2018-06-15. Review status: criteria provided, single submitter. Criteria: GeneDx Variant Classification (06012015). Collection method: clinical testing. Allele origin: germline. Affected: yes.
Comment: This variant is considered likely benign or benign based on one or more of the following criteria: it is a conservative change, it occurs at a poorly conserved position in the protein, it is predicted to be benign by multiple in silico algorithms, and/or has population frequency not consistent with disease.

Breakthrough Genomics
Classification: Likely benign. Review status: criteria provided, single submitter. Criteria: ACMG Guidelines, 2015. Collection method: not provided. Allele origin: germline. Inheritance: Autosomal dominant inheritance. Affected: yes.

NM_001042492.3(NF1):c.889-192G>T

Gene: NF1 (neurofibromin 1; plus strand). Cytogenetic location: 17q11.2.
Variant type: single nucleotide variant.
Coding change: c.889-192G>T on transcript NM_001042492.3 (MANE Select); 192 bases into the intron before coding-DNA position 889, G replaced by T.
Molecular consequence: intron variant.
Genome position (GRCh38, 1-based): chr17:31,200,230, G>T. VCF-style: chr17-31200230-G-T. GRCh37 (hg19) VCF-style: chr17-29527248-G-T.
Other names: c.889-192G>T (NM_000267.4, NM_001128147.3).
Identifiers: ClinVar variation 561484 (VCV000561484.2), dbSNP rs548990878, ClinGen allele CA15915889.